The following is an entry in ClinVar:

NM_000726.5(CACNB4):c.*443A>G

Gene: CACNB4 (calcium voltage-gated channel auxiliary subunit beta 4; minus strand). Cytogenetic location: 2q23.3.
Variant type: single nucleotide variant.
Coding change: c.*443A>G on transcript NM_000726.5 (MANE Select); 443 bases downstream of the stop codon, A replaced by G.
Molecular consequence: 3 prime UTR variant.
Genome position (GRCh38, 1-based): chr2:151,838,676, T>C on the plus strand (A>G on the coding strand, the complement: CACNB4 is on the minus strand). VCF-style: chr2-151838676-T-C. GRCh37 (hg19) VCF-style: chr2-152695190-T-C.
Other names: c.*443A>G (NM_001005746.4, NM_001005747.4, NM_001145798.3 and 7 more transcripts).
Identifiers: ClinVar variation 331626 (VCV000331626.6), dbSNP rs538829019, ClinGen allele CA10611043.

ClinVar aggregate classification (germline): Benign (1 of 4 stars; one submission).

Conditions:
Episodic ataxia type 5. Identifiers: Orphanet 211067, MedGen C1866039, MONDO:0013464, OMIM 613855.

Allele frequency attached by ClinVar (database versions not stated): 1000 Genomes Project 0.00080; TOPMed 0.00098.

Submission:

Illumina Laboratory Services, Illumina
Classification: Benign for Episodic ataxia type 5. Last evaluated: 2018-01-13. Review status: criteria provided, single submitter. Criteria: ICSL Variant Classification Criteria 13 December 2019. Collection method: clinical testing. Allele origin: germline.
Comment: This variant was observed in the ICSL laboratory as part of a predisposition screen in an ostensibly healthy population. It had not been previously curated by ICSL or reported in the Human Gene Mutation Database (HGMD: prior to June 1st, 2018), and was therefore a candidate for classification through an automated scoring system. Utilizing variant allele frequency, disease prevalence and penetrance estimates, and inheritance mode, an automated score was calculated to assess if this variant is too frequent to cause the disease. Based on the score and internal cut-off values, a variant classified as benign is not then subjected to further curation. The score for this variant resulted in a classification of benign for this disease.